The following is an entry in ClinVar:

ClinVar aggregate classification (germline): Uncertain significance (1 of 4 stars; one submission).

Submission:

Dasa
Classification: Uncertain significance. Last evaluated: 2025-12-02. Review status: criteria provided, single submitter. Criteria: DASA Assertion Criteria. Collection method: clinical testing. Allele origin: germline.
Comment: NM_001080517.3(SETD5):c.797G>A (p.Gly266Asp) is a missense variant that results in the substitution of glycine with aspartic acid. This variant is absent from population databases. The currently available literature and clinical evidence are not sufficient to establish a definitive association between this variant and the reported condition. Therefore, this variant is classified as a variant of uncertain significance.

NM_001080517.3(SETD5):c.797G>A (p.Gly266Asp)

Gene: SETD5 (SET domain containing 5; plus strand). Cytogenetic location: 3p25.3.
Variant type: single nucleotide variant.
Coding change: c.797G>A on transcript NM_001080517.3 (MANE Select); coding-DNA position 797, G replaced by A.
Protein change: p.Gly266Asp; replaces glycine 266 with aspartic acid.
Molecular consequence: missense variant.
Genome position (GRCh38, 1-based): chr3:9,440,685, G>A. VCF-style: chr3-9440685-G-A. GRCh37 (hg19) VCF-style: chr3-9482369-G-A.
Other names: c.503G>A, p.Gly168Asp (NM_001292043.2, NM_001349451.2); c.893G>A, p.Gly298Asp (NM_001437633.1); c.854G>A, p.Gly285Asp (NM_001437635.1); c.797G>A, p.Gly266Asp (NM_001437643.1); c.836G>A, p.Gly279Asp (NM_001437701.1); short protein forms G168D, G266D, G279D, G285D, G298D.
Identifiers: ClinVar variation 4885415 (VCV004885415.2).